The following is an entry in ClinVar:

ClinVar aggregate classification (germline): Uncertain significance. Review status: criteria provided, multiple submitters, no conflicts (2 of 4 stars). 2 submissions from 2 submitters: Uncertain significance (2). Last evaluated 2022-10-21.

Allele frequency attached by ClinVar (database versions not stated): gnomAD 0.00001; 1000 Genomes Project 30x 0.00016; 1000 Genomes Project 0.00020.
gnomAD v4.1: 35 of 1,612,612 alleles (0.0022%); highest among the groups gnomAD compares: South Asian, 0.023%; no homozygotes.

Submissions (2):

GeneDx
Classification: Uncertain significance. Last evaluated: 2022-10-21. Review status: criteria provided, single submitter. Criteria: GeneDx Variant Classification Process June 2021. Collection method: clinical testing. Allele origin: germline. Affected: yes.
Comment: In silico analysis supports that this missense variant has a deleterious effect on protein structure/function; Has not been previously published as pathogenic or benign to our knowledge

Labcorp Genetics (formerly Invitae), Labcorp
Classification: Uncertain significance. Last evaluated: 2021-08-30. Review status: criteria provided, single submitter. Criteria: Invitae Variant Classification Sherloc (09022015). Collection method: clinical testing. Allele origin: germline.

NM_000142.5(FGFR3):c.1190G>A (p.Arg397His)

Gene: FGFR3 (fibroblast growth factor receptor 3; plus strand). Cytogenetic location: 4p16.3.
Variant type: single nucleotide variant.
Coding change: c.1190G>A on transcript NM_000142.5 (MANE Select); coding-DNA position 1190, G replaced by A.
Protein change: p.Arg397His; replaces arginine 397 with histidine.
Molecular consequence: missense variant. On other transcripts: non-coding transcript variant (1), intron variant (1).
Genome position (GRCh38, 1-based): chr4:1,804,444, G>A. VCF-style: chr4-1804444-G-A. GRCh37 (hg19) VCF-style: chr4-1806171-G-A.
Other names: c.1196G>A, p.Arg399His (NM_001163213.2); c.1190G>A, p.Arg397His (NM_001354809.2, NM_001354810.2); c.931-380G>A (NM_022965.4); short protein forms R397H, R399H.
Identifiers: ClinVar variation 840962 (VCV000840962.6), dbSNP rs542210035, ClinGen allele CA2810284.